The following is an entry in ClinVar:

ClinVar aggregate classification (germline): Uncertain significance (1 of 4 stars; one submission).

gnomAD v4.1: 26 of 1,516,212 alleles (0.0017%); highest among the groups gnomAD compares: Admixed American, 0.0026%; no homozygotes.

Submission:

Labcorp Genetics (formerly Invitae), Labcorp
Classification: Uncertain significance. Last evaluated: 2025-10-09. Review status: criteria provided, single submitter. Criteria: Invitae Variant Classification Sherloc (09022015). Collection method: clinical testing. Allele origin: germline.
Comment: This sequence change replaces arginine, which is basic and polar, with glutamine, which is neutral and polar, at codon 2099 of the CACNA1B protein (p.Arg2099Gln). The frequency data for this variant in the population databases is considered unreliable, as metrics indicate poor data quality at this position in the gnomAD database. This variant has not been reported in the literature in individuals affected with CACNA1B-related conditions. ClinVar contains an entry for this variant (Variation ID: 1943121). Invitae Evidence Modeling of protein sequence and biophysical properties (such as structural, functional, and spatial information, amino acid conservation, physicochemical variation, residue mobility, and thermodynamic stability) indicates that this missense variant is not expected to disrupt CACNA1B protein function with a negative predictive value of 80%. In summary, the available evidence is currently insufficient to determine the role of this variant in disease. Therefore, it has been classified as a Variant of Uncertain Significance.

NM_000718.4(CACNA1B):c.6296G>A (p.Arg2099Gln)

Gene: CACNA1B (calcium voltage-gated channel subunit alpha1 B; plus strand). Cytogenetic location: 9q34.3.
Variant type: single nucleotide variant.
Coding change: c.6296G>A on transcript NM_000718.4 (MANE Select); coding-DNA position 6296, G replaced by A.
Protein change: p.Arg2099Gln; replaces arginine 2099 with glutamine.
Molecular consequence: missense variant.
Genome position (GRCh38, 1-based): chr9:138,120,688, G>A. VCF-style: chr9-138120688-G-A. GRCh37 (hg19) VCF-style: chr9-141015140-G-A.
Other names: c.6296G>A, p.Arg2099Gln (NM_001243812.2); short protein forms R2099Q.
Identifiers: ClinVar variation 1943121 (VCV001943121.5), dbSNP rs767990672, ClinGen allele CA5377680.